The following is an entry in ClinVar:

ClinVar aggregate classification (germline): Uncertain significance. Review status: criteria provided, multiple submitters, no conflicts (2 of 4 stars). 2 submissions from 2 submitters: Uncertain significance (2). Last evaluated 2025-10-13.

Conditions:
Melanoma, cutaneous malignant, susceptibility to, 5. Also called: Cutaneous malignant melanoma 5. Identifiers: Orphanet 618, MedGen C2751295, MONDO:0013133, OMIM 613099.

Allele frequency attached by ClinVar (database versions not stated): TOPMed 0.00007; ESP Exome Variant Server 0.00008; ExAC 0.00014; gnomAD 0.00019.
gnomAD v4.1: 124 of 1,607,740 alleles (0.0077%); highest among the groups gnomAD compares: Non-Finnish European, 0.0098%; no homozygotes.

Submissions (2):

Labcorp Genetics (formerly Invitae), Labcorp
Classification: Uncertain significance for Melanoma, cutaneous malignant, susceptibility to, 5. Last evaluated: 2025-10-13. Review status: criteria provided, single submitter. Criteria: Invitae Variant Classification Sherloc (09022015). Collection method: clinical testing. Allele origin: germline.
Comment: This sequence change replaces aspartic acid, which is acidic and polar, with glutamic acid, which is acidic and polar, at codon 121 of the MC1R protein (p.Asp121Glu). This variant is present in population databases (rs200616835, gnomAD 0.02%). This missense change has been observed in individual(s) with melanoma (PMID: 18067130, 19585506, 23360207, 23522749). ClinVar contains an entry for this variant (Variation ID: 538161). An algorithm developed to predict the effect of missense changes on protein structure and function (PolyPhen-2) suggests that this variant is likely to be disruptive. Experimental studies have shown that this missense change affects MC1R function (PMID: 23522749). In summary, the available evidence is currently insufficient to determine the role of this variant in disease. Therefore, it has been classified as a Variant of Uncertain Significance.

CeGaT Center for Human Genetics Tuebingen
Classification: Uncertain significance. Last evaluated: 2022-01-01. Review status: criteria provided, single submitter. Criteria: CeGaT Center For Human Genetics Tuebingen Variant Classification Criteria Version 2. Collection method: clinical testing. Allele origin: germline. Affected: yes. Observed: 1 variant allele.

Literature cited by the submitters: PubMed 18067130 (cited by Labcorp Genetics (formerly Invitae), Labcorp); PubMed 19585506 (cited by Labcorp Genetics (formerly Invitae), Labcorp); PubMed 23360207 (cited by Labcorp Genetics (formerly Invitae), Labcorp); PubMed 23522749 (cited by Labcorp Genetics (formerly Invitae), Labcorp).

NM_002386.4(MC1R):c.363C>G (p.Asp121Glu)

Gene: MC1R (melanocortin 1 receptor; plus strand). Cytogenetic location: 16q24.3.
Variant type: single nucleotide variant.
Coding change: c.363C>G on transcript NM_002386.4 (MANE Select); coding-DNA position 363, C replaced by G.
Protein change: p.Asp121Glu; replaces aspartic acid 121 with glutamic acid.
Molecular consequence: missense variant.
Genome position (GRCh38, 1-based): chr16:89,919,621, C>G. VCF-style: chr16-89919621-C-G. GRCh37 (hg19) VCF-style: chr16-89986029-C-G.
Other names: short protein forms D121E.
Identifiers: ClinVar variation 538161 (VCV000538161.41), dbSNP rs200616835, ClinGen allele CA8255572.
Genomic context (GRCh38, chr16:89,919,621, plus strand): 5'-GGAGGCCGGTGCACTGGTGGCCCGGGCTGCGGTGCTGCAGCAGCTGGACAATGTCATTGA[C>G]GTGATCACCTGCAGCTCCATGCTGTCCAGCCTCTGCTTCCTGGGCGCCATCGCCGTGGAC-3'
Protein context (NP_002377.4, residues 111-131): AVLQQLDNVI[Asp121Glu]VITCSSMLSS